The following is an entry in ClinVar:

NM_080473.5(GATA5):c.125T>A (p.Met42Lys)

Gene: GATA5 (GATA binding protein 5; minus strand). Cytogenetic location: 20q13.33.
Variant type: single nucleotide variant.
Coding change: c.125T>A on transcript NM_080473.5 (MANE Select); coding-DNA position 125, T replaced by A.
Protein change: p.Met42Lys; replaces methionine 42 with lysine.
Molecular consequence: missense variant.
Genome position (GRCh38, 1-based): chr20:62,475,397, A>T on the plus strand (T>A on the coding strand, the complement: GATA5 is on the minus strand). VCF-style: chr20-62475397-A-T. GRCh37 (hg19) VCF-style: chr20-61050453-A-T.
Other names: short protein forms M42K.
Identifiers: ClinVar variation 2195428 (VCV002195428.4), dbSNP rs1555897054, ClinGen allele CA409557767.

ClinVar aggregate classification (germline): Uncertain significance (1 of 4 stars; one submission).

Allele frequency attached by ClinVar (database versions not stated): gnomAD 0.00001.
gnomAD v4.1: 1 of 1,356,212 alleles (0.000074%); highest among the groups gnomAD compares: African/African-American, 0.0015%; no homozygotes.

Submission:

Labcorp Genetics (formerly Invitae), Labcorp
Classification: Uncertain significance. Last evaluated: 2025-05-23. Review status: criteria provided, single submitter. Criteria: Invitae Variant Classification Sherloc (09022015). Collection method: clinical testing. Allele origin: germline.
Comment: This sequence change replaces methionine, which is neutral and non-polar, with lysine, which is basic and polar, at codon 42 of the GATA5 protein (p.Met42Lys). This variant is present in population databases (no rsID available, gnomAD 0.01%). This variant has not been reported in the literature in individuals affected with GATA5-related conditions. ClinVar contains an entry for this variant (Variation ID: 2195428). An algorithm developed to predict the effect of missense changes on protein structure and function (PolyPhen-2) suggests that this variant is likely to be tolerated. In summary, the available evidence is currently insufficient to determine the role of this variant in disease. Therefore, it has been classified as a Variant of Uncertain Significance.